The following is an entry in ClinVar:

ClinVar aggregate classification (germline): Pathogenic (3 of 4 stars; one submission).

Conditions:
Glanzmann thrombasthenia. Also called: PLATELET GLYCOPROTEIN IIb-IIIa DEFICIENCY; BLEEDING DISORDER, PLATELET-TYPE, 2; THROMBASTHENIA OF GLANZMANN AND NAEGELI; Thrombasthenia; Glanzmann's thrombasthenia. Identifiers: Orphanet 849, MedGen C0040015, MONDO:0100326.

Submission:

ClinGen Platelet Disorders Variant Curation Expert Panel, ClinGen
Classification: Pathogenic for Glanzmann thrombasthenia. Last evaluated: 2022-04-07. Review status: reviewed by expert panel. Criteria: ClinGen Platelet ACMG Specifications v2-1. Collection method: curation. Allele origin: germline. Inheritance: Autosomal recessive inheritance.
Comment: The NM_000419.5(ITGA2B):c.1096C>T (p.Arg366Ter) nonsense variant in biologically-relevant-exon 12/30 and is predicted to lead to nonsense mediated decay in a gene in which loss-of-function is an established disease mechanism (PVS1). At least one patient (Patient CT in PMID: 12083483) with this variant displayed mucocutaneous bleeding and impaired aggregation with all agonists except ristocetin, which is highly specific for Glanzmann thrombasthenia (PP4_moderate). Patient CT of PMID: 12083483 is homozygous for the Arg366Ter nonsense variant (PM3_supporting). This variant is absent from gnomAD v2.1.1 (PM2_Supporting). In summary, this variant meets the criteria to be classified as Pathogenic for autosomal recessive Glanzmann Thrombasthenia based on the ACMG/AMP criteria applied, as specified by the ClinGen PD VCEP: PVS1, PP4_moderate, PM2_supporting, PM3_supporting. (VCEP specifications version 2; date of approval 01/18/2022)

NM_000419.5(ITGA2B):c.1096C>T (p.Arg366Ter)

Gene: ITGA2B (integrin subunit alpha 2b; minus strand). Cytogenetic location: 17q21.31.
Variant type: single nucleotide variant.
Coding change: c.1096C>T on transcript NM_000419.5 (MANE Select); coding-DNA position 1096, C replaced by T.
Protein change: p.Arg366Ter; replaces arginine 366 with a stop codon.
Molecular consequence: nonsense.
Genome position (GRCh38, 1-based): chr17:44,383,607, G>A on the plus strand (C>T on the coding strand, the complement: ITGA2B is on the minus strand). VCF-style: chr17-44383607-G-A. GRCh37 (hg19) VCF-style: chr17-42460975-G-A.
Other names: NM_000419.5:c.1096C>T; short protein forms R366*.
Identifiers: ClinVar variation 1879051 (VCV001879051.1), dbSNP rs2048615415, ClinGen allele CA399804480.
Genomic context (GRCh38, chr17:44,383,607, plus strand): 5'-GCCCATAGAGCTGTGTGCCAGTCAGCAGGAGGCTGGGGGCACCCAGCGCGTGGGGGCCTC[G>A]CGGCTGCAGGAACAAATACACACGCCCCACTTCGGCCAGTTTTCGGTCTGCCCGGCTCTC-3'